The following is an entry in ClinVar:

ClinVar aggregate classification (germline): Uncertain significance (1 of 4 stars; one submission).

Submission:

GeneDx
Classification: Uncertain significance. Last evaluated: 2025-03-25. Review status: criteria provided, single submitter. Criteria: GeneDx Variant Classification Process June 2021. Collection method: clinical testing. Allele origin: germline. Affected: yes.
Comment: Not observed at significant frequency in large population cohorts (gnomAD); Missense variants in this gene are a common cause of disease and they are underrepresented in the general population; In silico analysis supports that this missense variant has a deleterious effect on protein structure/function; Has not been previously published as pathogenic or benign to our knowledge

NM_006306.4(SMC1A):c.1603A>T (p.Thr535Ser)

Gene: SMC1A (structural maintenance of chromosomes 1A; minus strand). Cytogenetic location: Xp11.22.
Variant type: single nucleotide variant.
Coding change: c.1603A>T on transcript NM_006306.4 (MANE Select); coding-DNA position 1603, A replaced by T.
Protein change: p.Thr535Ser; replaces threonine 535 with serine.
Molecular consequence: missense variant.
Genome position (GRCh38, 1-based): chrX:53,405,899, T>A on the plus strand (A>T on the coding strand, the complement: SMC1A is on the minus strand). VCF-style: chrX-53405899-T-A. GRCh37 (hg19) VCF-style: chrX-53432831-T-A.
Other names: c.1537A>T, p.Thr513Ser (NM_001281463.1); short protein forms T513S, T535S.
Identifiers: ClinVar variation 4087877 (VCV004087877.1).